The following is an entry in ClinVar:

NM_014714.4(IFT140):c.2965C>T (p.Arg989Cys)

Genes: IFT140 (intraflagellar transport 140; minus strand), LOC126862260 (CDK7 strongly-dependent group 2 enhancer GRCh37_chr16:1574508-1575707; plus strand). Cytogenetic location: 16p13.3.
Variant type: single nucleotide variant.
Coding change: c.2965C>T on transcript NM_014714.4 (MANE Select); coding-DNA position 2965, C replaced by T.
Protein change: p.Arg989Cys; replaces arginine 989 with cysteine.
Molecular consequence: missense variant.
Genome position (GRCh38, 1-based): chr16:1,524,816, G>A on the plus strand (C>T on the coding strand, the complement: IFT140 is on the minus strand). VCF-style: chr16-1524816-G-A. GRCh37 (hg19) VCF-style: chr16-1574817-G-A.
Other names: short protein forms R989C.
Identifiers: ClinVar variation 845470 (VCV000845470.8), dbSNP rs147756729, ClinGen allele CA7813405.
Genomic context (GRCh38, chr16:1,524,816, plus strand): 5'-CTGGCCGGCTCCCCTGCGGGGACCTTACCTTCTGGACATTGCCCTGGAAGCAGTGGATGC[G>A]GACCAGGGAGAAGTGGTCCCGGGCCAGCTCGTAGTAGTGCAGCGCGGCGTCCATCTCGCC-3'
Protein context (NP_055529.2, residues 979-999): ELARDHFSLV[Arg989Cys]IHCFQGNVQK

ClinVar aggregate classification (germline): Uncertain significance. Review status: criteria provided, multiple submitters, no conflicts (2 of 4 stars). 3 submissions from 3 submitters: Uncertain significance (3). Last evaluated 2025-10-29.

Conditions:
Saldino-Mainzer syndrome (SRTD9). Also called: CONORENAL SYNDROME; SHORT-RIB THORACIC DYSPLASIA 9 WITHOUT POLYDACTYLY; Renal dysplasia, retinal pigmentary dystrophy, cerebellar ataxia and skeletal dysplasia; short-rib thoracic dysplasia 9 with or without polydactyly. Identifiers: Orphanet 140969, MedGen C1849437, MONDO:0009964, OMIM 266920.
Inborn genetic diseases. Identifiers: MedGen C0950123, MeSH D030342.

Allele frequency attached by ClinVar (database versions not stated): ExAC 0.00001; gnomAD exomes 0.00002 and 0.00003; gnomAD 0.00005 and 0.00006; TOPMed 0.00005; ESP Exome Variant Server 0.00008.
gnomAD v4.1: 49 of 1,611,842 alleles (0.003%); highest among the groups gnomAD compares: Admixed American, 0.0083%; no homozygotes.

Submissions (3):

Labcorp Genetics (formerly Invitae), Labcorp
Classification: Uncertain significance for Saldino-Mainzer syndrome. Last evaluated: 2025-10-29. Review status: criteria provided, single submitter. Criteria: Invitae Variant Classification Sherloc (09022015). Collection method: clinical testing. Allele origin: germline.
Comment: This sequence change replaces arginine, which is basic and polar, with cysteine, which is neutral and slightly polar, at codon 989 of the IFT140 protein (p.Arg989Cys). This variant is present in population databases (rs147756729, gnomAD 0.006%). This variant has not been reported in the literature in individuals affected with IFT140-related conditions. ClinVar contains an entry for this variant (Variation ID: 845470). Invitae Evidence Modeling of protein sequence and biophysical properties (such as structural, functional, and spatial information, amino acid conservation, physicochemical variation, residue mobility, and thermodynamic stability) indicates that this missense variant is expected to disrupt IFT140 protein function with a positive predictive value of 80%. In summary, the available evidence is currently insufficient to determine the role of this variant in disease. Therefore, it has been classified as a Variant of Uncertain Significance.

Ambry Genetics
Classification: Uncertain significance for Inborn genetic diseases. Last evaluated: 2024-12-23. Review status: criteria provided, single submitter. Criteria: Ambry Variant Classification Scheme 2023. Collection method: clinical testing. Allele origin: germline.

Blueprint Genetics
Classification: Uncertain significance. Last evaluated: 2020-12-11. Review status: criteria provided, single submitter. Criteria: ACMG Guidelines, 2015. Collection method: clinical testing. Allele origin: germline.